The following is an entry in ClinVar:

NM_001171613.2(PREPL):c.730del (p.Ala244fs)

Gene: PREPL (prolyl endopeptidase like; minus strand). Cytogenetic location: 2p21.
Variant type: Deletion.
Coding change: c.730del on transcript NM_001171613.2 (MANE Select); coding-DNA position 730, one base deleted (G; older notation c.730delG).
Protein change: p.Ala244fs; shifts the reading frame from alanine 244.
Molecular consequence: frameshift variant. On other transcripts: intron variant (1).
Genome position (GRCh38, 1-based): chr2:44,338,509, C deleted on the plus strand (G on the coding strand, the reverse complement: PREPL is on the minus strand). VCF-style (leftmost placement, unchanged base first): chr2-44338508-GC-G. GRCh37 (hg19) VCF-style: chr2-44565647-GC-G.
Other names: c.997del, p.Ala333fs (NM_001042386.2, NM_001171603.1, NM_001171606.2 and 3 more transcripts); c.730del, p.Ala244fs (NM_001171617.1, NM_001374277.1); c.969+638del (NM_001042385.2); short protein forms A244fs, A333fs.
Identifiers: ClinVar variation 3383158 (VCV003383158.2).

ClinVar aggregate classification (germline): Likely pathogenic (1 of 4 stars; one submission).

Conditions:
Myasthenic syndrome, congenital, 22 (CMS22). Also called: PREPL DEFICIENCY. Identifiers: MedGen C4479088, MONDO:0044299, OMIM 616224.

Submission:

Juno Genomics, Hangzhou Juno Genomics, Inc
Classification: Likely pathogenic for Myasthenic syndrome, congenital, 22. Review status: criteria provided, single submitter. Criteria: ACMG Guidelines, 2015. Collection method: clinical testing. Allele origin: germline. Affected: yes.
Comment: Absent from controls (or at extremely low frequency if recessive) in Genome Aggregation Database, Exome Sequencing Project, 1000 Genomes Project, or Exome Aggregation Consortium.;Null variant in a gene where loss of function (LOF) is a known mechanism of disease.